The following is an entry in ClinVar:

ClinVar aggregate classification (germline): Uncertain significance (1 of 4 stars; one submission).

Allele frequency attached by ClinVar (database versions not stated): TOPMed below 0.00001; gnomAD 0.00001.
gnomAD v4.1: 2 of 1,614,004 alleles (0.00012%); highest among the groups gnomAD compares: Non-Finnish European, 0.00017%; no homozygotes.

Submission:

Greenwood Genetic Center Diagnostic Laboratories, Greenwood Genetic Center
Classification: Uncertain significance. Last evaluated: 2021-04-28. Review status: criteria provided, single submitter. Criteria: ACMG Guidelines, 2015. Collection method: clinical testing. Allele origin: germline. Affected: yes.
Comment: PM2

NM_018023.5(YEATS2):c.2060T>C (p.Val687Ala)

Gene: YEATS2 (YEATS domain containing 2; plus strand). Cytogenetic location: 3q27.1.
Variant type: single nucleotide variant.
Coding change: c.2060T>C on transcript NM_018023.5 (MANE Select); coding-DNA position 2060, T replaced by C.
Protein change: p.Val687Ala; replaces valine 687 with alanine.
Molecular consequence: missense variant.
Genome position (GRCh38, 1-based): chr3:183,772,417, T>C. VCF-style: chr3-183772417-T-C. GRCh37 (hg19) VCF-style: chr3-183490205-T-C.
Other names: c.2060T>C, p.Val687Ala (NM_001351369.2, NM_001351371.2); c.2063T>C, p.Val688Ala (NM_001351370.2); short protein forms V687A, V688A.
Identifiers: ClinVar variation 1334735 (VCV001334735.4), dbSNP rs762708818, ClinGen allele CA355355649.